The following is an entry in ClinVar:

ClinVar aggregate classification (germline): Uncertain significance (1 of 4 stars; one submission).

Conditions:
Inborn genetic diseases. Identifiers: MedGen C0950123, MeSH D030342.

Submission:

Ambry Genetics
Classification: Uncertain significance for Inborn genetic diseases. Last evaluated: 2026-07-02. Review status: criteria provided, single submitter. Criteria: Ambry Variant Classification Scheme 2023. Collection method: clinical testing. Allele origin: germline.
Comment: The p.V10G variant (also known as c.29T>G), located in coding exon 1 of the RYR1 gene, results from a T to G substitution at nucleotide position 29. The valine at codon 10 is replaced by glycine, an amino acid with dissimilar properties. This amino acid position is conserved. In addition, this alteration is predicted to be deleterious by in silico analysis. Based on the available evidence, the clinical significance of this variant remains unclear.

NM_000540.3(RYR1):c.29T>G (p.Val10Gly)

Gene: RYR1 (ryanodine receptor 1; plus strand). Cytogenetic location: 19q13.2.
Variant type: single nucleotide variant.
Coding change: c.29T>G on transcript NM_000540.3 (MANE Select); coding-DNA position 29, T replaced by G.
Protein change: p.Val10Gly; replaces valine 10 with glycine.
Molecular consequence: missense variant.
Genome position (GRCh38, 1-based): chr19:38,433,858, T>G. VCF-style: chr19-38433858-T-G. GRCh37 (hg19) VCF-style: chr19-38924498-T-G.
Other names: c.29T>G, p.Val10Gly (NM_001042723.2); short protein forms V10G.
Identifiers: ClinVar variation 5028618 (VCV005028618.1).
Genomic context (GRCh38, chr19:38,433,858, plus strand): 5'-ACCTCAGACCCTGGGCTTCCGACCTCGACATCATGGGTGACGCAGAAGGCGAAGACGAGG[T>G]CCAGTTCCTGCGGACGGTGCGTATCTCTGGGTTAGGGGCCTGTGGGGCTATCTCTTGGGG-3'
Protein context (NP_000531.2, residues 1-20): MGDAEGEDE[Val10Gly]QFLRTDDEVV